The following is an entry in ClinVar:

NM_000051.4(ATM):c.3043C>T (p.Gln1015Ter)

Gene: ATM (ATM serine/threonine kinase; plus strand). Cytogenetic location: 11q22.3.
Variant type: single nucleotide variant.
Coding change: c.3043C>T on transcript NM_000051.4 (MANE Select); coding-DNA position 3043, C replaced by T.
Protein change: p.Gln1015Ter; replaces glutamine 1015 with a stop codon.
Molecular consequence: nonsense.
Genome position (GRCh38, 1-based): chr11:108,271,372, C>T. VCF-style: chr11-108271372-C-T. GRCh37 (hg19) VCF-style: chr11-108142099-C-T.
Other names: c.3043C>T, p.Gln1015Ter (NM_001351834.2); short protein forms Q1015*.
Identifiers: ClinVar variation 482593 (VCV000482593.15), dbSNP rs1555085210, ClinGen allele CA382547577.
Genomic context (GRCh38, chr11:108,271,372, plus strand): 5'-CTTCATGTAGTGAAAAACCTAGGTCAAAGCAATATGGACTCTGAGAACACAAGGGATGCT[C>T]AAGGACAGTTTCTTACAGTAATTGGAGCATTTTGGTAGGTACAGTCTATTTTGTGGTCCT-3'

ClinVar aggregate classification (germline): Pathogenic/Likely pathogenic. Review status: criteria provided, multiple submitters, no conflicts (2 of 4 stars). 4 submissions from 4 submitters: Pathogenic (3); Likely pathogenic (1). Last evaluated 2025-12-24.

Conditions:
Familial cancer of breast. Also called: BREAST CANCER, FAMILIAL; Hereditary breast cancer; hereditary breast carcinoma. Identifiers: Orphanet 227535, MedGen C0346153, MONDO:0016419, OMIM 114480. Disease mechanism: loss of function.
Hereditary cancer-predisposing syndrome. Also called: Hereditary neoplastic syndrome; Neoplastic Syndromes, Hereditary; Tumor predisposition; Hereditary Cancer Syndrome. Identifiers: Orphanet 140162, MedGen C0027672, MeSH D009386, MONDO:0015356.
Ataxia-telangiectasia syndrome (AT). Also called: LOUIS-BAR SYNDROME; Cerebello-oculocutaneous telangiectasia; Immunodeficiency with ataxia telangiectasia; AT, COMPLEMENTATION GROUP C; Ataxia-telangiectasia, complementation group D; ATAXIA-TELANGIECTASIA, COMPLEMENTATION GROUP A. Identifiers: Orphanet 100, MedGen C0004135, MONDO:0008840, OMIM 208900.

Submissions (4):

Labcorp Genetics (formerly Invitae), Labcorp
Classification: Pathogenic for Ataxia-telangiectasia syndrome. Last evaluated: 2025-12-24. Review status: criteria provided, single submitter. Criteria: Invitae Variant Classification Sherloc (09022015). Collection method: clinical testing. Allele origin: germline.
Comment: This sequence change creates a premature translational stop signal (p.Gln1015*) in the ATM gene. It is expected to result in an absent or disrupted protein product. Loss-of-function variants in ATM are known to be pathogenic (PMID: 23807571, 25614872). This variant is not present in population databases (gnomAD no frequency). This variant has not been reported in the literature in individuals affected with ATM-related conditions. ClinVar contains an entry for this variant (Variation ID: 482593). Algorithms developed to predict the effect of sequence changes on RNA splicing suggest that this variant may disrupt the consensus splice site. For these reasons, this variant has been classified as Pathogenic.

Ambry Genetics
Classification: Pathogenic for Hereditary cancer-predisposing syndrome. Last evaluated: 2024-10-04. Review status: criteria provided, single submitter. Criteria: Ambry Variant Classification Scheme 2023. Collection method: clinical testing. Allele origin: germline.
Comment: The p.Q1015* pathogenic mutation (also known as c.3043C>T), located in coding exon 19 of the ATM gene, results from a C to T substitution at nucleotide position 3043. This changes the amino acid from a glutamine to a stop codon within coding exon 19. This variant is considered to be rare based on population cohorts in the Genome Aggregation Database (gnomAD). This alteration is expected to result in loss of function by premature protein truncation or nonsense-mediated mRNA decay. As such, this alteration is interpreted as a disease-causing mutation.

Myriad Genetics, Inc.
Classification: Pathogenic for Familial cancer of breast. Last evaluated: 2024-01-18. Review status: criteria provided, single submitter. Criteria: Myriad Autosomal Dominant, Autosomal Recessive and X-Linked Classification Criteria (2023). Collection method: clinical testing. Allele origin: unknown.
Comment: This variant is considered pathogenic. This variant creates a termination codon and is predicted to result in premature protein truncation.

Baylor Genetics
Classification: Likely pathogenic for Familial cancer of breast. Last evaluated: 2021-11-21. Review status: criteria provided, single submitter. Criteria: ACMG Guidelines, 2015. Collection method: clinical testing. Allele origin: unknown.

Literature cited by the submitters: PubMed 23807571 (cited by Labcorp Genetics (formerly Invitae), Labcorp); PubMed 25614872 (cited by Labcorp Genetics (formerly Invitae), Labcorp).